The following is an entry in ClinVar:

NM_024642.5(GALNT12):c.692G>A (p.Cys231Tyr)

Gene: GALNT12 (polypeptide N-acetylgalactosaminyltransferase 12; plus strand). Cytogenetic location: 9q22.33.
Variant type: single nucleotide variant.
Coding change: c.692G>A on transcript NM_024642.5 (MANE Select); coding-DNA position 692, G replaced by A.
Protein change: p.Cys231Tyr; replaces cysteine 231 with tyrosine.
Molecular consequence: missense variant.
Genome position (GRCh38, 1-based): chr9:98,826,902, G>A. VCF-style: chr9-98826902-G-A. GRCh37 (hg19) VCF-style: chr9-101589184-G-A.
Other names: short protein forms C231Y.
Identifiers: ClinVar variation 4261507 (VCV004261507.1).

ClinVar aggregate classification (germline): Uncertain significance (1 of 4 stars; one submission).

gnomAD v4.1: 1 of 1,580,956 alleles (0.000063%); highest among the groups gnomAD compares: South Asian, 0.0012%; no homozygotes.

Submission:

Ambry Genetics
Classification: Uncertain significance. Last evaluated: 2025-08-29. Review status: criteria provided, single submitter. Criteria: Ambry Variant Classification Scheme 2023. Collection method: clinical testing. Allele origin: germline.
Comment: The p.C231Y variant (also known as c.692G>A), located in coding exon 3 of the GALNT12 gene, results from a G to A substitution at nucleotide position 692. The cysteine at codon 231 is replaced by tyrosine, an amino acid with highly dissimilar properties. This amino acid position is conserved. In addition, this alteration is predicted to be deleterious by in silico analysis. Based on the available evidence, the clinical significance of this variant remains unclear.